The following is an entry in ClinVar:

NM_004655.4(AXIN2):c.2237+3G>T

Gene: AXIN2 (axin 2; minus strand). Cytogenetic location: 17q24.1.
Variant type: single nucleotide variant.
Coding change: c.2237+3G>T on transcript NM_004655.4 (MANE Select); 3 bases into the intron after coding-DNA position 2237, G replaced by T.
Molecular consequence: intron variant.
Genome position (GRCh38, 1-based): chr17:65,535,623, C>A on the plus strand (G>T on the coding strand, the complement: AXIN2 is on the minus strand). VCF-style: chr17-65535623-C-A. GRCh37 (hg19) VCF-style: chr17-63531741-C-A.
Other names: c.2042+3G>T (NM_001363813.1).
Identifiers: ClinVar variation 5032518 (VCV005032518.1).
Genomic context (GRCh38, chr17:65,535,623, plus strand): 5'-AGCGAATATTCTGAAACATAAAGCACTCGGCAGATCTCAGTAATGTCAGGTAAAGACACT[C>A]ACTCTTCTGGAGCCAGGCTTGGATTGGAGAAGGGTGTGGCTCCCGTCTGAACAGTGGCCG-3'

ClinVar aggregate classification (germline): Uncertain significance (1 of 4 stars; one submission).

Conditions:
Hereditary cancer-predisposing syndrome. Also called: Neoplastic Syndromes, Hereditary; Tumor predisposition; Hereditary neoplastic syndrome; Hereditary Cancer Syndrome. Identifiers: Orphanet 140162, MedGen C0027672, MeSH D009386, MONDO:0015356.

Submission:

Ambry Genetics
Classification: Uncertain significance for Hereditary cancer-predisposing syndrome. Last evaluated: 2026-06-23. Review status: criteria provided, single submitter. Criteria: Ambry Variant Classification Scheme 2023. Collection method: clinical testing. Allele origin: germline.
Comment: The c.2237+3G>T intronic variant results from a G to T substitution 3 nucleotides after coding exon 8 in the AXIN2 gene. This nucleotide position is well conserved in available vertebrate species. In silico splice site analysis predicts that this alteration will weaken the native splice donor site; however, direct evidence is insufficient at this time (Ambry internal data). Based on the available evidence, the clinical significance of this variant remains unclear.